The following is an entry in ClinVar:

NM_001168235.2(FREM3):c.83_91del (p.Ala28_Gln30del)

Gene: FREM3 (FRAS1 related extracellular matrix 3; minus strand). Cytogenetic location: 4q31.21.
Variant type: Deletion.
Coding change: c.83_91del on transcript NM_001168235.2 (MANE Select); coding-DNA positions 83 to 91, 9 bases deleted (CGCTGCAGG; older notation c.83_91delCGCTGCAGG).
Protein change: p.Ala28_Gln30del.
Molecular consequence: inframe deletion.
Genome position (GRCh38, 1-based): chr4:143,700,585-143,700,593, CCTGCAGCG deleted on the plus strand (CGCTGCAGG on the coding strand, the reverse complement: FREM3 is on the minus strand); deleting any 9 consecutive bases within chr4:143,700,585-143,700,594 gives the same sequence; the c. name uses the placement nearest the transcript's 3' end. VCF-style (leftmost placement, unchanged base first): chr4-143700584-CCCTGCAGCG-C. GRCh37 (hg19) VCF-style: chr4-144621737-CCCTGCAGCG-C.
Identifiers: ClinVar variation 373808 (VCV000373808.2), dbSNP rs1057518624, ClinGen allele CA16042551.

ClinVar aggregate classification (germline): Uncertain significance (1 of 4 stars; one submission).

Submission:

GeneDx
Classification: Uncertain significance. Last evaluated: 2016-12-12. Review status: criteria provided, single submitter. Criteria: GeneDx Variant Classification (06012015). Collection method: clinical testing. Allele origin: germline. Affected: yes.
Comment: The c.83_91delCGCTGCAGG variant in the FREM3 gene has not been reported previously as a pathogenic variant nor as a benign variant, to our knowledge. This variant causes an inframe deletion of three amino acids (Alanine, Leucine, Glutamine) denoted p.Ala28_Gln30del. Although the c.83_91delCGCTGCAGG variant was not observed in approximately 2200 individuals of European and African American ancestry in the NHLBI Exome Sequencing Project, the data was noted to have reduced depth of sequencing reads and therefore may be unreliable. Therefore, we interpret c.83_91delCGCTGCAGG as a variant of uncertain significance.